The following is an entry in ClinVar:

ClinVar aggregate classification (germline): Uncertain significance (1 of 4 stars; one submission).

Conditions:
Primary ciliary dyskinesia. Also called: Ciliary dyskinesia. Identifiers: Orphanet 244, MedGen C0008780, MONDO:0016575, HP:0012265.

Allele frequency attached by ClinVar (database versions not stated): gnomAD exomes 0.00001.
gnomAD v4.1: 7 of 1,612,542 alleles (0.00043%); highest among the groups gnomAD compares: South Asian, 0.0066%; no homozygotes.

Submission:

Labcorp Genetics (formerly Invitae), Labcorp
Classification: Uncertain significance for Primary ciliary dyskinesia. Last evaluated: 2022-03-19. Review status: criteria provided, single submitter. Criteria: Invitae Variant Classification Sherloc (09022015). Collection method: clinical testing. Allele origin: germline.
Comment: This variant has not been reported in the literature in individuals affected with DNAH8-related conditions. In summary, the available evidence is currently insufficient to determine the role of this variant in disease. Therefore, it has been classified as a Variant of Uncertain Significance. Algorithms developed to predict the effect of missense changes on protein structure and function are either unavailable or do not agree on the potential impact of this missense change (SIFT: "Deleterious"; PolyPhen-2: "Not Available"; Align-GVGD: "Class C0"). This variant is present in population databases (rs376030488, gnomAD 0.01%). This sequence change replaces isoleucine, which is neutral and non-polar, with methionine, which is neutral and non-polar, at codon 151 of the DNAH8 protein (p.Ile151Met).

NM_001206927.2(DNAH8):c.453A>G (p.Ile151Met)

Genes: DNAH8 (dynein axonemal heavy chain 8; plus strand), LOC126859667 (BRD4-independent group 4 enhancer GRCh37_chr6:38690326-38691525; plus strand). Cytogenetic location: 6p21.2.
Variant type: single nucleotide variant.
Coding change: c.453A>G on transcript NM_001206927.2 (MANE Select); coding-DNA position 453, A replaced by G.
Protein change: p.Ile151Met; replaces isoleucine 151 with methionine.
Molecular consequence: missense variant. On other transcripts: 5 prime UTR variant (1).
Genome position (GRCh38, 1-based): chr6:38,723,399, A>G. VCF-style: chr6-38723399-A-G. GRCh37 (hg19) VCF-style: chr6-38691175-A-G.
Other names: c.-114A>G (NM_001371.4); short protein forms I151M.
Identifiers: ClinVar variation 2063865 (VCV002063865.4), dbSNP rs376030488, ClinGen allele CA3787949.